The following is an entry in ClinVar:

ClinVar aggregate classification (germline): Pathogenic/Likely pathogenic. Review status: criteria provided, multiple submitters, no conflicts (2 of 4 stars). 3 submissions from 3 submitters: Pathogenic (2); Likely pathogenic (1). Last evaluated 2026-01-11.

Conditions:
Myoglobinuria, acute recurrent, autosomal recessive. Also called: MYOGLOBINURIA, FAMILIAL PAROXYSMAL PARALYTIC; RHABDOMYOLYSIS, ACUTE RECURRENT; Myoglobinuria, recurrent, autosomal recessive. Identifiers: Orphanet 99845, MedGen C1849386, MONDO:0009992, OMIM 268200.

gnomAD v4.1: 23 of 1,594,172 alleles (0.0014%); highest among the groups gnomAD compares: African/African-American, 0.023%; 1 homozygote.

Submissions (3):

Labcorp Genetics (formerly Invitae), Labcorp
Classification: Pathogenic. Last evaluated: 2026-01-11. Review status: criteria provided, single submitter. Criteria: Invitae Variant Classification Sherloc (09022015). Collection method: clinical testing. Allele origin: germline.
Comment: This sequence change affects a donor splice site in intron 19 of the LPIN1 gene. While this variant is not anticipated to result in nonsense mediated decay, it likely alters RNA splicing and results in a disrupted protein product. This variant is present in population databases (no rsID available, gnomAD 0.01%). Disruption of this splice site has been observed in individual(s) with myoglobinuria (PMID: 20583302, 22481384). In at least one individual the data is consistent with being in trans (on the opposite chromosome) from a pathogenic variant. ClinVar contains an entry for this variant (Variation ID: 3584358). Variants that disrupt the consensus splice site are a relatively common cause of aberrant splicing (PMID: 17576681, 9536098). Algorithms developed to predict the effect of sequence changes on RNA splicing suggest that this variant may disrupt the consensus splice site. For these reasons, this variant has been classified as Pathogenic.

Fulgent Genetics
Classification: Pathogenic for Myoglobinuria, acute recurrent, autosomal recessive. Last evaluated: 2024-05-16. Review status: criteria provided, single submitter. Criteria: ACMG Guidelines, 2015. Collection method: clinical testing. Allele origin: germline.

3billion
Classification: Likely pathogenic for Myoglobinuria, acute recurrent, autosomal recessive. Last evaluated: 2023-07-17. Review status: criteria provided, single submitter. Criteria: ACMG Guidelines, 2015. Collection method: clinical testing. Allele origin: germline. Affected: yes.
Comment: The variant is observed at an extremely low frequency in the gnomAD v2.1.1 dataset (total allele frequency: 0.003%). Predicted Consequence/Location: Canonical splice site: predicted to alter splicing and result in a loss or disruption of normal protein function. The predicted truncated protein may be shortened by less than 10%. The variant has been reported to be associated with LPIN1 related disorder (PMID: 20583302). Therefore, this variant is classified as Likely pathogenic according to the recommendation of ACMG/AMP guideline.

Literature cited by the submitters: PubMed 20583302 (cited by Labcorp Genetics (formerly Invitae), Labcorp and 3billion); PubMed 22481384 (cited by Labcorp Genetics (formerly Invitae), Labcorp); PubMed 17576681 (cited by Labcorp Genetics (formerly Invitae), Labcorp); PubMed 9536098 (cited by Labcorp Genetics (formerly Invitae), Labcorp).

NM_001349206.2(LPIN1):c.2621+1G>A

Gene: LPIN1 (lipin 1; plus strand). Cytogenetic location: 2p25.1.
Variant type: single nucleotide variant.
Coding change: c.2621+1G>A on transcript NM_001349206.2 (MANE Select); the canonical splice donor site of the intron after coding-DNA position 2621, G replaced by A.
Molecular consequence: splice donor variant.
Genome position (GRCh38, 1-based): chr2:11,820,515, G>A. VCF-style: chr2-11820515-G-A. GRCh37 (hg19) VCF-style: chr2-11960641-G-A.
Other names: c.2768+1G>A (NM_001261428.3); c.2660+1G>A (NM_001349208.2); c.2711+1G>A (NM_001349207.2); c.2531+1G>A (NM_001261427.3); c.2621+1G>A (NM_001349204.2, NM_001349205.2); c.2618+1G>A (NM_001349202.2, NM_001349203.2); c.2591+1G>A (NM_001349200.2, NM_001349201.2); c.2513+1G>A (NM_001349199.2, NM_145693.4).
Identifiers: ClinVar variation 3584358 (VCV003584358.4).